The following is an entry in ClinVar:

ClinVar aggregate classification (germline): Uncertain significance. Review status: reviewed by expert panel (3 of 4 stars). 2 submissions from 2 submitters: Uncertain significance (1). 1 of the submissions does not count toward it. Last evaluated 2026-05-27.

Conditions:
Inborn genetic diseases. Identifiers: MedGen C0950123, MeSH D030342.
Hereditary thrombocytopenia and hematologic cancer predisposition syndrome. Identifiers: Orphanet 71290, MedGen CN281654, MONDO:0011071.

Submissions (2):

ClinGen Myeloid Malignancy Variant Curation Expert Panel
Classification: Uncertain significance for Hereditary thrombocytopenia and hematologic cancer predisposition syndrome. Last evaluated: 2026-05-27. Review status: reviewed by expert panel. Criteria: ClinGen MyeloMalig ACMG Specifications V3.1. Collection method: curation. Allele origin: germline. Inheritance: Autosomal dominant inheritance.
Comment: NM_001754.5(RUNX1):c.614-3_614-2dup is an intronic variant which is completely absent from all population databases with at least 20x coverage for RUNX1 (PM2_Supporting). This intronic variant has a SpliceAI score ≤ 0.20 (0.02) (BP4). In summary, the clinical significance of this variant is uncertain. ACMG/AMP criteria applied, as specified by the Myeloid Malignancy Variant Curation Expert Panel for RUNX1: PM2_Supporting, BP4.

Ambry Genetics
Classification: Uncertain significance for Inborn genetic diseases. Last evaluated: 2025-05-08. Review status: criteria provided, single submitter. Criteria: Ambry Variant Classification Scheme 2023. Collection method: clinical testing. Allele origin: germline. Not counted in ClinVar's aggregate classification.
Comment: The c.614-3_614-2dupTA intronic variant begins two nucleotides before coding exon 6 in the RUNX1 gene. This variant results from a duplication of two nucleotides at positions c.614-3 to c.614-2. This nucleotide region is well conserved in available vertebrate species. In silico splice site analysis predicts that this alteration will not have any significant effect on splicing. Based on the available evidence, the clinical significance of this variant remains unclear.

NM_001754.5(RUNX1):c.614-3_614-2dup

Gene: RUNX1 (RUNX family transcription factor 1; minus strand). Cytogenetic location: 21q22.12.
Variant type: Duplication.
Coding change: c.614-3_614-2dup on transcript NM_001754.5 (MANE Select); 3 bases into the intron before coding-DNA position 614 through the canonical splice acceptor site of the intron before coding-DNA position 614, 2 bases duplicated (TA; older notation c.614-3_614-2dupTA).
Molecular consequence: splice acceptor variant.
Genome position (GRCh38, 1-based): chr21:34,834,603-34,834,604, TA duplicated on the plus strand (TA on the coding strand, the reverse complement: RUNX1 is on the minus strand); duplicating any 2 consecutive bases within chr21:34,834,603-34,834,605 gives the same sequence; the c. name uses the placement nearest the transcript's 3' end. VCF-style (leftmost placement, unchanged base first): chr21-34834602-C-CTA. GRCh37 (hg19) VCF-style: chr21-36206899-C-CTA.
Other names: c.533-3_533-2dup (NM_001001890.3, NM_001122607.2).
Identifiers: ClinVar variation 3948861 (VCV003948861.2).